The following is an entry in ClinVar:

NM_001277115.2(DNAH11):c.9239T>C (p.Leu3080Pro)

Gene: DNAH11 (dynein axonemal heavy chain 11; plus strand). Cytogenetic location: 7p15.3.
Variant type: single nucleotide variant.
Coding change: c.9239T>C on transcript NM_001277115.2 (MANE Select); coding-DNA position 9239, T replaced by C.
Protein change: p.Leu3080Pro; replaces leucine 3080 with proline.
Molecular consequence: missense variant.
Genome position (GRCh38, 1-based): chr7:21,773,902, T>C. VCF-style: chr7-21773902-T-C. GRCh37 (hg19) VCF-style: chr7-21813520-T-C.
Other names: NM_001277115.2:c.9239T>C; short protein forms L3080P.
Identifiers: ClinVar variation 3776941 (VCV003776941.1).

ClinVar aggregate classification (germline): Uncertain significance (1 of 4 stars; one submission).

Conditions:
Primary ciliary dyskinesia 7. Also called: CILIARY DYSKINESIA, PRIMARY, 7, WITH OR WITHOUT SITUS INVERSUS. Identifiers: Orphanet 244, MedGen C2678473, MONDO:0012748, OMIM 611884.

gnomAD v4.1: 1 of 1,603,126 alleles (0.000062%); highest among the groups gnomAD compares: Non-Finnish European, 0.000085%; no homozygotes.

Submission:

Broad Center for Mendelian Genomics, Broad Institute of MIT and Harvard
Classification: Uncertain significance for Primary ciliary dyskinesia 7. Last evaluated: 2025-02-19. Review status: criteria provided, single submitter. Criteria: ACMG Guidelines, 2015. Collection method: curation. Allele origin: germline. Inheritance: Autosomal recessive inheritance.
Comment: The p.Leu3080Pro variant in DNAH11 has been reported in 2 siblings with primary ciliary dyskinesia (PMID: 31116566), and has been identified in 0.00009% (1/1174612) of European (non-Finnish) chromosomes by the Genome Aggregation Database (gnomAD). Although this variant has been seen in the general population in a heterozygous state, its frequency is low enough to be consistent with a recessive carrier frequency. Computational prediction tools and conservation analyses do not provide strong support for or against an impact to the protein. In summary, the clinical significance of the p.Leu3080Pro variant is uncertain. ACMG/AMP Criteria applied: PM2_supporting (Richards 2015).